The following is an entry in ClinVar:

NM_001363711.2(DUOX2):c.2983C>A (p.Leu995Met)

Gene: DUOX2 (dual oxidase 2; minus strand). Cytogenetic location: 15q21.1.
Variant type: single nucleotide variant.
Coding change: c.2983C>A on transcript NM_001363711.2 (MANE Select); coding-DNA position 2983, C replaced by A.
Protein change: p.Leu995Met; replaces leucine 995 with methionine.
Molecular consequence: missense variant.
Genome position (GRCh38, 1-based): chr15:45,100,777, G>T on the plus strand (C>A on the coding strand, the complement: DUOX2 is on the minus strand). VCF-style: chr15-45100777-G-T. GRCh37 (hg19) VCF-style: chr15-45392975-G-T.
Other names: c.2983C>A, p.Leu995Met (NM_014080.5); c.2983C>A (NM_014080.4); short protein forms L995M.
Identifiers: ClinVar variation 1415432 (VCV001415432.8), dbSNP rs2141145355, ClinGen allele CA392264528.

ClinVar aggregate classification (germline): Uncertain significance. Review status: criteria provided, multiple submitters, no conflicts (2 of 4 stars). 2 submissions from 2 submitters: Uncertain significance (2). Last evaluated 2026-05-06.

Conditions:
Inborn genetic diseases. Identifiers: MedGen C0950123, MeSH D030342.

Submissions (2):

Ambry Genetics
Classification: Uncertain significance for Inborn genetic diseases. Last evaluated: 2026-05-06. Review status: criteria provided, single submitter. Criteria: Ambry Variant Classification Scheme 2023. Collection method: clinical testing. Allele origin: germline.

Labcorp Genetics (formerly Invitae), Labcorp
Classification: Uncertain significance. Last evaluated: 2024-11-27. Review status: criteria provided, single submitter. Criteria: Invitae Variant Classification Sherloc (09022015). Collection method: clinical testing. Allele origin: germline.
Comment: This sequence change replaces leucine, which is neutral and non-polar, with methionine, which is neutral and non-polar, at codon 995 of the DUOX2 protein (p.Leu995Met). This variant is not present in population databases (gnomAD no frequency). This variant has not been reported in the literature in individuals affected with DUOX2-related conditions. ClinVar contains an entry for this variant (Variation ID: 1415432). Invitae Evidence Modeling of protein sequence and biophysical properties (such as structural, functional, and spatial information, amino acid conservation, physicochemical variation, residue mobility, and thermodynamic stability) indicates that this missense variant is not expected to disrupt DUOX2 protein function with a negative predictive value of 95%. In summary, the available evidence is currently insufficient to determine the role of this variant in disease. Therefore, it has been classified as a Variant of Uncertain Significance.